The following is an entry in ClinVar:

ClinVar aggregate classification (germline): Uncertain significance (1 of 4 stars; one submission).

Submission:

Labcorp Genetics (formerly Invitae), Labcorp
Classification: Uncertain significance. Last evaluated: 2021-08-13. Review status: criteria provided, single submitter. Criteria: Invitae Variant Classification Sherloc (09022015). Collection method: clinical testing. Allele origin: germline.
Comment: In summary, the available evidence is currently insufficient to determine the role of this variant in disease. Therefore, it has been classified as a Variant of Uncertain Significance. Algorithms developed to predict the effect of missense changes on protein structure and function are either unavailable or do not agree on the potential impact of this missense change (SIFT: "Deleterious"; PolyPhen-2: "Benign"; Align-GVGD: "Class C15"). This variant has not been reported in the literature in individuals affected with GNB2-related conditions. This variant is not present in population databases (ExAC no frequency). This sequence change replaces glycine with glutamic acid at codon 109 of the GNB2 protein (p.Gly109Glu). The glycine residue is highly conserved and there is a moderate physicochemical difference between glycine and glutamic acid.

NM_005273.4(GNB2):c.326G>A (p.Gly109Glu)

Gene: GNB2 (G protein subunit beta 2; plus strand). Cytogenetic location: 7q22.1.
Variant type: single nucleotide variant.
Coding change: c.326G>A on transcript NM_005273.4 (MANE Select); coding-DNA position 326, G replaced by A.
Protein change: p.Gly109Glu; replaces glycine 109 with glutamic acid.
Molecular consequence: missense variant.
Genome position (GRCh38, 1-based): chr7:100,677,556, G>A. VCF-style: chr7-100677556-G-A. GRCh37 (hg19) VCF-style: chr7-100275179-G-A.
Other names: short protein forms G109E.
Identifiers: ClinVar variation 1512564 (VCV001512564.6), dbSNP rs908936166, ClinGen allele CA368515455.